The following is an entry in ClinVar:

ClinVar aggregate classification (germline): Benign/Likely benign. Review status: criteria provided, multiple submitters, no conflicts (2 of 4 stars). 6 submissions from 6 submitters: Benign (1); Likely benign (5). Last evaluated 2026-05-22.

Conditions:
PALB2-related disorder. Also called: PALB2-related condition; PALB2-related disorders.
Hereditary cancer-predisposing syndrome. Also called: Neoplastic Syndromes, Hereditary; Hereditary Cancer Syndrome; Tumor predisposition; Hereditary neoplastic syndrome. Identifiers: Orphanet 140162, MedGen C0027672, MeSH D009386, MONDO:0015356.
Familial cancer of breast. Also called: BREAST CANCER, FAMILIAL; Hereditary breast cancer; hereditary breast carcinoma. Identifiers: Orphanet 227535, MedGen C0346153, MONDO:0016419, OMIM 114480. Disease mechanism: loss of function.

Allele frequency attached by ClinVar (database versions not stated): gnomAD exomes 0.00001; ExAC 0.00002; gnomAD 0.00002; TOPMed 0.00003.
gnomAD v4.1: 11 of 1,614,026 alleles (0.00068%); highest among the groups gnomAD compares: East Asian, 0.0067%; no homozygotes.

Submissions (6):

PreventionGenetics, part of Exact Sciences
Classification: Likely benign for PALB2-related condition. Last evaluated: 2026-05-22. Review status: criteria provided, single submitter. Criteria: ACMG Guidelines, 2015. Collection method: clinical testing. Allele origin: germline.
Comment: This variant is classified as likely benign based on ACMG/AMP sequence variant interpretation guidelines (Richards et al. 2015 PMID: 25741868, with internal and published modifications).

Labcorp Genetics (formerly Invitae), Labcorp
Classification: Likely benign for Familial cancer of breast. Last evaluated: 2025-12-24. Review status: criteria provided, single submitter. Criteria: Invitae Variant Classification Sherloc (09022015). Collection method: clinical testing. Allele origin: germline.

Myriad Genetics, Inc.
Classification: Benign for Familial cancer of breast. Last evaluated: 2025-01-21. Review status: criteria provided, single submitter. Criteria: Myriad Autosomal Dominant, Autosomal Recessive and X-Linked Classification Criteria (2023). Collection method: clinical testing. Allele origin: unknown.
Comment: This variant is considered benign. This variant is a silent/synonymous amino acid change and it is not expected to impact splicing.

Quest Diagnostics Nichols Institute San Juan Capistrano
Classification: Likely benign. Last evaluated: 2024-12-14. Review status: criteria provided, single submitter. Criteria: Quest Diagnostics criteria. Collection method: clinical testing. Allele origin: unknown.

Color Diagnostics, LLC DBA Color Health
Classification: Likely benign for Hereditary cancer-predisposing syndrome. Last evaluated: 2017-05-17. Review status: criteria provided, single submitter. Criteria: ACMG Guidelines, 2015. Collection method: clinical testing. Allele origin: germline.

Ambry Genetics
Classification: Likely benign for Hereditary cancer-predisposing syndrome. Last evaluated: 2016-02-18. Review status: criteria provided, single submitter. Criteria: Ambry Variant Classification Scheme 2023. Collection method: clinical testing. Allele origin: germline.

NM_024675.4(PALB2):c.2979G>A (p.Thr993=)

Gene: PALB2 (partner and localizer of BRCA2; minus strand). Cytogenetic location: 16p12.2.
Variant type: single nucleotide variant.
Coding change: c.2979G>A on transcript NM_024675.4 (MANE Select); coding-DNA position 2979, G replaced by A.
Protein change: p.Thr993=; no amino-acid change (threonine 993 retained).
Molecular consequence: synonymous variant.
Genome position (GRCh38, 1-based): chr16:23,622,986, C>T on the plus strand (G>A on the coding strand, the complement: PALB2 is on the minus strand). VCF-style: chr16-23622986-C-T. GRCh37 (hg19) VCF-style: chr16-23634307-C-T.
Identifiers: ClinVar variation 481167 (VCV000481167.20), dbSNP rs772357409, ClinGen allele CA7963456.
Genomic context (GRCh38, chr16:23,622,986, plus strand): 5'-ATTCTTCATCTAATAGTTAAAAATCAATCAATGCTTTTCTTACCCTCCATCTTCTGCAAA[C>T]GTCATGACTTCTACTTGTTGATCAGAAAGGGTCCCACTGCTACTAACTAGCCTCCTCTTT-3'
Protein context (NP_078951.2, residues 983-1003): TLSDQQVEVM[Thr993=]FAEDGGGKEN